The following is an entry in ClinVar:

NM_016356.5(DCDC2):c.923-4A>G

Gene: DCDC2 (doublecortin domain containing 2; minus strand). Cytogenetic location: 6p22.3.
Variant type: single nucleotide variant.
Coding change: c.923-4A>G on transcript NM_016356.5 (MANE Select); 4 bases into the intron before coding-DNA position 923, A replaced by G.
Molecular consequence: intron variant.
Genome position (GRCh38, 1-based): chr6:24,205,106, T>C on the plus strand (A>G on the coding strand, the complement: DCDC2 is on the minus strand). VCF-style: chr6-24205106-T-C. GRCh37 (hg19) VCF-style: chr6-24205334-T-C.
Other names: c.923-4A>G (NM_001195610.2).
Identifiers: ClinVar variation 4985514 (VCV004985514.1).

ClinVar aggregate classification (germline): Uncertain significance (1 of 4 stars; one submission).

Conditions:
DCDC2-related disorder. Also called: DCDC2-related condition.

gnomAD v4.1: 15 of 1,614,038 alleles (0.00093%); highest among the groups gnomAD compares: South Asian, 0.0022%; no homozygotes.

Submission:

PreventionGenetics, part of Exact Sciences
Classification: Uncertain significance for DCDC2-related condition. Last evaluated: 2026-03-06. Review status: criteria provided, single submitter. Criteria: ACMG Guidelines, 2015. Collection method: clinical testing. Allele origin: germline.
Comment: The DCDC2 c.923-4A>G variant is predicted to interfere with splicing. To our knowledge, this variant has not been reported in the literature. This variant is reported in 0.0040% of alleles in individuals of African descent in gnomAD. At this time, the clinical significance of this variant is uncertain due to the absence of conclusive functional and genetic evidence.